The following is an entry in ClinVar:

ClinVar aggregate classification (germline): Uncertain significance (1 of 4 stars; one submission).

Submission:

Women's Health and Genetics/Laboratory Corporation of America, LabCorp
Classification: Uncertain significance. Last evaluated: 2023-11-02. Review status: criteria provided, single submitter. Criteria: LabCorp Variant Classification Summary - May 2015. Collection method: clinical testing. Allele origin: germline.
Comment: Variant summary: SERPINH1 c.1243C>T (p.Arg415X) results in a premature termination codon affecting the last four amino acids of the last exon, predicted to cause a truncation of the encoded protein, but without nonsense mediated decay predicted. Current evidence is also not sufficient to establish loss-of-function variants in SERPINH1 as causative of disease. The variant was absent in 250634 control chromosomes. The available data on variant occurrences in the general population are insufficient to allow any conclusion about variant significance. To our knowledge, c.1243C>T has not been reported in the literature in individuals affected with Osteogenesis Imperfecta Type 10 and no experimental evidence demonstrating an impact on protein function has been reported. No submitters have cited clinical-significance assessments for this variant to ClinVar after 2014. Based on the evidence outlined above, the variant was classified as uncertain significance.

Literature cited by the submitters: PubMed 23665959.

NM_001235.5(SERPINH1):c.1243C>T (p.Arg415Ter)

Gene: SERPINH1 (serpin family H member 1; plus strand). Cytogenetic location: 11q13.5.
Variant type: single nucleotide variant.
Coding change: c.1243C>T on transcript NM_001235.5 (MANE Select); coding-DNA position 1243, C replaced by T.
Protein change: p.Arg415Ter; replaces arginine 415 with a stop codon.
Molecular consequence: nonsense.
Genome position (GRCh38, 1-based): chr11:75,572,069, C>T. VCF-style: chr11-75572069-C-T. GRCh37 (hg19) VCF-style: chr11-75283114-C-T.
Other names: c.1243C>T, p.Arg415Ter (NM_001207014.3); short protein forms R415*.
Identifiers: ClinVar variation 2682533 (VCV002682533.1), dbSNP rs149137596, ClinGen allele CA381885732.